The following is an entry in ClinVar:

ClinVar aggregate classification (germline): Uncertain significance (1 of 4 stars; one submission).

Allele frequency attached by ClinVar (database versions not stated): gnomAD exomes below 0.00001.
gnomAD v4.1: 1 of 1,614,142 alleles (0.000062%); highest among the groups gnomAD compares: Admixed American, 0.0017%; no homozygotes.

Submission:

Labcorp Genetics (formerly Invitae), Labcorp
Classification: Uncertain significance. Last evaluated: 2022-12-25. Review status: criteria provided, single submitter. Criteria: Invitae Variant Classification Sherloc (09022015). Collection method: clinical testing. Allele origin: germline.
Comment: In summary, the available evidence is currently insufficient to determine the role of this variant in disease. Therefore, it has been classified as a Variant of Uncertain Significance. Advanced modeling of protein sequence and biophysical properties (such as structural, functional, and spatial information, amino acid conservation, physicochemical variation, residue mobility, and thermodynamic stability) performed at Invitae indicates that this missense variant is not expected to disrupt EFTUD2 protein function. This variant has not been reported in the literature in individuals affected with EFTUD2-related conditions. This variant is not present in population databases (gnomAD no frequency). This sequence change replaces isoleucine, which is neutral and non-polar, with valine, which is neutral and non-polar, at codon 808 of the EFTUD2 protein (p.Ile808Val).

NM_004247.4(EFTUD2):c.2422A>G (p.Ile808Val)

Gene: EFTUD2 (elongation factor Tu GTP binding domain containing 2; minus strand). Cytogenetic location: 17q21.31.
Variant type: single nucleotide variant.
Coding change: c.2422A>G on transcript NM_004247.4 (MANE Select); coding-DNA position 2422, A replaced by G.
Protein change: p.Ile808Val; replaces isoleucine 808 with valine.
Molecular consequence: missense variant.
Genome position (GRCh38, 1-based): chr17:44,853,561, T>C on the plus strand (A>G on the coding strand, the complement: EFTUD2 is on the minus strand). VCF-style: chr17-44853561-T-C. GRCh37 (hg19) VCF-style: chr17-42930929-T-C.
Other names: c.2317A>G, p.Ile773Val (NM_001142605.2); c.2422A>G, p.Ile808Val (NM_001258353.2); c.2392A>G, p.Ile798Val (NM_001258354.2); short protein forms I798V, I808V, I773V.
Identifiers: ClinVar variation 2978401 (VCV002978401.3), dbSNP rs2508723794, ClinGen allele CA399840219.